The following is an entry in ClinVar:

NM_001277115.2(DNAH11):c.6736G>C (p.Ala2246Pro)

Gene: DNAH11 (dynein axonemal heavy chain 11; plus strand). Cytogenetic location: 7p15.3.
Variant type: single nucleotide variant.
Coding change: c.6736G>C on transcript NM_001277115.2 (MANE Select); coding-DNA position 6736, G replaced by C.
Protein change: p.Ala2246Pro; replaces alanine 2246 with proline.
Molecular consequence: missense variant.
Genome position (GRCh38, 1-based): chr7:21,710,605, G>C. VCF-style: chr7-21710605-G-C. GRCh37 (hg19) VCF-style: chr7-21750223-G-C.
Other names: short protein forms A2246P.
Identifiers: ClinVar variation 1443109 (VCV001443109.6), dbSNP rs1784428696, ClinGen allele CA366940199.

ClinVar aggregate classification (germline): Uncertain significance (1 of 4 stars; one submission).

Conditions:
Primary ciliary dyskinesia. Also called: Ciliary dyskinesia. Identifiers: Orphanet 244, MedGen C0008780, MONDO:0016575, HP:0012265.

Allele frequency attached by ClinVar (database versions not stated): TOPMed 0.00001.

Submission:

Labcorp Genetics (formerly Invitae), Labcorp
Classification: Uncertain significance for Primary ciliary dyskinesia. Last evaluated: 2024-01-29. Review status: criteria provided, single submitter. Criteria: Invitae Variant Classification Sherloc (09022015). Collection method: clinical testing. Allele origin: germline.
Comment: This sequence change replaces alanine, which is neutral and non-polar, with proline, which is neutral and non-polar, at codon 2246 of the DNAH11 protein (p.Ala2246Pro). This variant is not present in population databases (gnomAD no frequency). This variant has not been reported in the literature in individuals affected with DNAH11-related conditions. ClinVar contains an entry for this variant (Variation ID: 1443109). Advanced modeling of protein sequence and biophysical properties (such as structural, functional, and spatial information, amino acid conservation, physicochemical variation, residue mobility, and thermodynamic stability) performed at Invitae indicates that this missense variant is not expected to disrupt DNAH11 protein function with a negative predictive value of 95%. In summary, the available evidence is currently insufficient to determine the role of this variant in disease. Therefore, it has been classified as a Variant of Uncertain Significance.